The following continues an entry in ClinVar:

NM_020975.6(RET):c.2753T>C (p.Met918Thr)

Gene: RET. ClinVar aggregate classification (germline): Pathogenic/Likely pathogenic. Pathogenic (37); Likely pathogenic (2). ClinVar aggregate classification (somatic clinical impact): Tier I - Strong.

Submissions 25 to 47 of 49:

GeneDx
Classification: Pathogenic. Last evaluated: 2022-03-19. Review status: criteria provided, single submitter. Criteria: GeneDx Variant Classification Process June 2021. Collection method: clinical testing. Allele origin: germline. Affected: yes.
Comment: Most common RET variant reported in association with MEN2B (Carlson 1994, Eng 1996, Brauckhoff 2004, Wray 2008); Published functional studies demonstrate a damaging effect: increased transforming ability, cellular proliferation, and tyrosine phosphorylation (Pasini 1997, Cosci 2011); In silico analysis supports that this missense variant has a deleterious effect on protein structure/function; Not observed at significant frequency in large population cohorts (gnomAD); This variant is associated with the following publications: (PMID: 10679286, 8570194, 30763276, 20516206, 15517484, 22359510, 10369718, 26843961, 23225389, 30660595, 18252215, 19826964, 11720239, 21765987, 9242375, 21810974, 7906417, 24336963, 23660265, 26294908, 23660872, 8918855, 7824936, 27807060, 27539324, 17963006, 29182461, 17540634, 19169500, 29396759, 16481266, 9541448, 18631354, 17576593, 17848262, 16808642, 26084817, 31510104, 29625052, 34308366, 33268590, 32561571, 8909322, 9706252, 33191720, 30624503, 32546069, 14633923)

Revvity Omics, Revvity
Classification: Pathogenic. Last evaluated: 2021-10-25. Review status: criteria provided, single submitter. Criteria: ACMG Guidelines, 2015. Collection method: clinical testing. Allele origin: germline.

MGZ Medical Genetics Center
Classification: Pathogenic for Multiple endocrine neoplasia type 2B. Last evaluated: 2021-08-11. Review status: criteria provided, single submitter. Criteria: ACMG Guidelines, 2015. Collection method: clinical testing. Allele origin: germline. Affected: yes. Observed: 2 variant alleles.
Comment: ACMG criteria applied: PS2, PS3_MOD, PS4_MOD, PM2_SUP, PP3

Women's Health and Genetics/Laboratory Corporation of America, LabCorp
Classification: Pathogenic for Multiple endocrine neoplasia type 2B. Last evaluated: 2021-08-08. Review status: criteria provided, single submitter. Criteria: LabCorp Variant Classification Summary - May 2015. Collection method: clinical testing. Allele origin: germline.
Comment: Variant summary: RET c.2753T>C (p.Met918Thr) results in a non-conservative amino acid change located in the Protein kinase domain (IPR000719) of the encoded protein sequence. Five of five in-silico tools predict a damaging effect of the variant on protein function. The variant allele was found at a frequency of 4e-06 in 251618 control chromosomes. c.2753T>C has been reported in the literature in multiple individuals affected with Multiple Endocrine Neoplasia Type 2B (example, Carlson_1994, Elisei_2007, Hofstra_1994). These data indicate that the variant is very likely to be associated with disease. Multiple publication reports experimental evidence evaluating an impact on protein function. The most pronounced variant effect results in a significant increase in tyrosine kinase activity resulting in a transforming activation of the RET proto-oncogene (example, Borrello_1995). Multiple clinical diagnostic laboratories have submitted clinical-significance assessments for this variant to ClinVar after 2014 without evidence for independent evaluation. All laboratories classified the variant as pathogenic/likely pathogenic. Based on the evidence outlined above, the variant was classified as pathogenic.

Sema4
Classification: Pathogenic for Hereditary cancer-predisposing syndrome. Last evaluated: 2021-07-01. Review status: criteria provided, single submitter. Criteria: Sema4 Curation Guidelines. Collection method: curation. Allele origin: germline.
Comment: The RET c.2753T>C (p.M918T) variant has been reported in heterozygosity in numerous individuals with MEN2B (PMID: 7906417, 8918855, 20516206, 17963006, 31510104, 30660595). The variant has been observed to segregate with disease within families, as well as many de novo cases (PMID: 7906417). This variant causes approximately 95% of all MEN2B cases (PMID: 8918855, 17963006). Functional studies have shown that this variant alters the activation of RET kinase causing increased transforming capacity (PMID: 9242375, 16715139). This variant was observed in 1/113754 chromosomes in the Non-Finnish European population according to the Genome Aggregation Database (PMID: 32461654). This variant has been reported in ClinVar (Variation ID: 13919). In silico tools suggest the impact of the variant on protein function is deleterious. Based on the current evidence available, this variant is interpreted as pathogenic.

Department of Pediatrics, Memorial Sloan Kettering Cancer Center
Classification: Pathogenic for Multiple endocrine neoplasia type 2A. Last evaluated: 2020-12-15. Review status: criteria provided, single submitter. Criteria: ACMG Guidelines, 2015. Collection method: research. Allele origin: germline. Affected: no.

Athena Diagnostics
Classification: Pathogenic. Last evaluated: 2019-07-24. Review status: criteria provided, single submitter. Criteria: Athena Diagnostics Criteria. Collection method: clinical testing. Allele origin: germline.
Comment: Widely published variant reported to account for 95% of MEN2B cases. The best available variant frequency is uninformative because there are too few occurrences in population data. Found in multiple symptomatic patients. Predicted to have a damaging effect on the protein. Damaging to protein function(s) relevant to disease mechanism. Multiple de novo cases reported in the literature. In familial cases, variant segregates with disease.

Baylor Genetics
Classification: Pathogenic for Familial medullary thyroid carcinoma. Last evaluated: 2018-12-17. Review status: criteria provided, single submitter. Criteria: ACMG Guidelines, 2015. Collection method: clinical testing. Allele origin: de novo. Affected: yes. Study: CSER-TexasKidsCanSeq.
Comment: This variant was determined to be pathogenic according to ACMG Guidelines, 2015 [PMID:25741868]. This variant has been previously reported as disease-causing [PMID 7906417, 17540634, 8570194, 19169500, 22359510, 21810974, 23660872, 24336963, 21765987]

3DMed Clinical Laboratory Inc
Classification: Pathogenic for Medullary thyroid carcinoma. Last evaluated: 2017-08-02. Review status: criteria provided, single submitter. Criteria: ACMG Guidelines, 2015. Collection method: clinical testing. Allele origin: germline. Affected: yes.

Center for Pediatric Genomic Medicine, Children's Mercy Hospital and Clinics
Classification: Pathogenic. Last evaluated: 2017-01-13. Review status: criteria provided, single submitter. Criteria: ACMG Guidelines, 2015. Collection method: clinical testing. Allele origin: germline.

Eurofins Ntd Llc (ga)
Classification: Pathogenic. Last evaluated: 2016-11-29. Review status: criteria provided, single submitter. Criteria: EGL Classification Definitions. Collection method: clinical testing. Allele origin: germline. Observed: 8 variant alleles, 8 heterozygotes.

Center for Human Genetics, Inc
Classification: Pathogenic for Multiple endocrine neoplasia type 2A. Last evaluated: 2016-11-01. Review status: criteria provided, single submitter. Criteria: ACMG Guidelines, 2015. Collection method: clinical testing. Allele origin: germline. Affected: yes.

Clinical Genetics and Genomics, Karolinska University Hospital
Classification: Pathogenic. Last evaluated: 2015-07-03. Review status: criteria provided, single submitter. Criteria: ACMG Guidelines, 2015. Collection method: clinical testing. Allele origin: germline. Affected: yes. Observed: 8 variant alleles.

Centre for Mendelian Genomics, University Medical Centre Ljubljana
Classification: Pathogenic for Constipation; Gingival overgrowth; Hypertelorism; Hypothyroidism; Joint hypermobility; Short stature; Tetralogy of Fallot; Thick vermilion border. Last evaluated: 2014-12-08. Review status: criteria provided, single submitter. Criteria: ACMG Guidelines, 2015. Collection method: clinical testing. Allele origin: unknown. Affected: yes.

Genomics England Pilot Project, Genomics England
Classification: Likely pathogenic for Hirschsprung disease, susceptibility to, 1. Review status: criteria provided, single submitter. Criteria: ACGS Guidelines, 2016. Collection method: clinical testing. Allele origin: germline. Affected: yes.

Juno Genomics, Hangzhou Juno Genomics, Inc
Classification: Pathogenic for Multiple endocrine neoplasia type 2B. Review status: criteria provided, single submitter. Criteria: ACMG Guidelines, 2015. Collection method: clinical testing. Allele origin: germline. Affected: yes.
Comment: Assumed de novo, but without confirmation of paternity and maternity.;Well-established in vitro or in vivo functional studies supportive of a damaging effect on the gene or gene product.;The prevalence of the variant in affected individuals is significantly increased compared to the prevalence in controls.;Patient's phenotype or family history is highly specific for a disease with a single genetic etiology.;Absent from controls (or at extremely low frequency if recessive) in Genome Aggregation Database, Exome Sequencing Project, 1000 Genomes Project, or Exome Aggregation Consortium.

Clinical Genetics Laboratory, University Hospital Schleswig-Holstein
Classification: Pathogenic for Multiple endocrine neoplasia type 2B. Last evaluated: 2023-05-23. Review status: no assertion criteria provided. Collection method: clinical testing. Allele origin: germline. Affected: yes. Not counted in ClinVar's aggregate classification.

Counsyl
Classification: Pathogenic for Multiple endocrine neoplasia type 2A. Last evaluated: 2016-10-21. Review status: no assertion criteria provided. Collection method: clinical testing. Allele origin: unknown. Not counted in ClinVar's aggregate classification.
Comment: M918T is associated only with MEN2B phenotype. This submission and the accompanying classification are no longer maintained by the submitter.

Clinical Molecular Genetics Laboratory, Johns Hopkins All Children's Hospital
Classification: Pathogenic for Multiple endocrine neoplasia, type 2b. Last evaluated: 2006-11-03. Review status: no assertion criteria provided. Collection method: clinical testing. Allele origin: germline. Affected: yes. Not counted in ClinVar's aggregate classification.

OMIM
Classification: Pathogenic for MULTIPLE ENDOCRINE NEOPLASIA, TYPE IIB. Last evaluated: 1998-05-07. Review status: no assertion criteria provided. Collection method: literature only. Allele origin: unknown. Not counted in ClinVar's aggregate classification.

OMIM
Classification: Pathogenic for THYROID CARCINOMA, SPORADIC MEDULLARY. Last evaluated: 1998-05-07. Review status: no assertion criteria provided. Collection method: literature only. Allele origin: unknown. Not counted in ClinVar's aggregate classification.

OMIM
Classification: Pathogenic for PHEOCHROMOCYTOMA, SOMATIC. Last evaluated: 1998-05-07. Review status: no assertion criteria provided. Collection method: literature only. Allele origin: somatic. Not counted in ClinVar's aggregate classification.

Diagnostic Laboratory, Department of Genetics, University Medical Center Groningen
Classification: Pathogenic. Review status: no assertion criteria provided. Collection method: clinical testing. Allele origin: germline. Affected: yes. Study: VKGL Data-share Consensus. Not counted in ClinVar's aggregate classification.